The following is an entry in ClinVar:

NM_017780.4(CHD7):c.785C>T (p.Thr262Ile)

Gene: CHD7 (chromodomain helicase DNA binding protein 7; plus strand). Cytogenetic location: 8q12.2.
Variant type: single nucleotide variant.
Coding change: c.785C>T on transcript NM_017780.4 (MANE Select); coding-DNA position 785, C replaced by T.
Protein change: p.Thr262Ile; replaces threonine 262 with isoleucine.
Molecular consequence: missense variant.
Genome position (GRCh38, 1-based): chr8:60,742,217, C>T. VCF-style: chr8-60742217-C-T. GRCh37 (hg19) VCF-style: chr8-61654776-C-T.
Other names: c.785C>T, p.Thr262Ile (NM_001316690.1); short protein forms T262I.
Identifiers: ClinVar variation 1760916 (VCV001760916.2), dbSNP rs2487270197, ClinGen allele CA371299401.
Genomic context (GRCh38, chr8:60,742,217, plus strand): 5'-GTCCCAGCATGGCACCTTCCTTGCGTCACTCGGTGCAGCAGTTCCATCACCACCCCTCTA[C>T]TGCTCTCCATGGAGAATCCGTTGCCCACAGTCCCAGATTCTCCCCGAATCCTCCCCAACA-3'
Protein context (NP_060250.2, residues 252-272): SVQQFHHHPS[Thr262Ile]ALHGESVAHS

ClinVar aggregate classification (germline): Uncertain significance (1 of 4 stars; one submission).

Conditions:
Inborn genetic diseases. Identifiers: MedGen C0950123, MeSH D030342.

Submission:

Ambry Genetics
Classification: Uncertain significance for Inborn genetic diseases. Last evaluated: 2022-07-10. Review status: criteria provided, single submitter. Criteria: Ambry Variant Classification Scheme 2023. Collection method: clinical testing. Allele origin: germline.
Comment: The p.T262I variant (also known as c.785C>T), located in coding exon 1 of the CHD7 gene, results from a C to T substitution at nucleotide position 785. The threonine at codon 262 is replaced by isoleucine, an amino acid with similar properties. This amino acid position is conserved. In addition, the in silico prediction for this alteration is inconclusive. Since supporting evidence is limited at this time, the clinical significance of this alteration remains unclear.